The following is an entry in ClinVar:

NM_000642.3(AGL):c.3479G>A (p.Cys1160Tyr)

Gene: AGL (amylo-alpha-1,6-glucosidase and 4-alpha-glucanotransferase; plus strand). Cytogenetic location: 1p21.2.
Variant type: single nucleotide variant.
Coding change: c.3479G>A on transcript NM_000642.3 (MANE Select); coding-DNA position 3479, G replaced by A.
Protein change: p.Cys1160Tyr; replaces cysteine 1160 with tyrosine.
Molecular consequence: missense variant.
Genome position (GRCh38, 1-based): chr1:99,900,752, G>A. VCF-style: chr1-99900752-G-A. GRCh37 (hg19) VCF-style: chr1-100366308-G-A.
Other names: c.3479G>A, p.Cys1160Tyr (NM_000028.3, NM_000643.3, NM_000644.3 and 1 more transcripts); c.3431G>A, p.Cys1144Tyr (NM_000646.3); c.3458G>A, p.Cys1153Tyr (NM_001425326.1); c.3278G>A, p.Cys1093Tyr (NM_001425327.1); c.3275G>A, p.Cys1092Tyr (NM_001425328.1); c.3140G>A, p.Cys1047Tyr (NM_001425329.1); c.3101G>A, p.Cys1034Tyr (NM_001425332.1); short protein forms C1160Y, C1144Y, C1034Y, C1047Y, C1092Y, C1093Y, C1153Y.
Identifiers: ClinVar variation 2173376 (VCV002173376.1), dbSNP rs1160711540, ClinGen allele CA341331643.

ClinVar aggregate classification (germline): Uncertain significance (1 of 4 stars; one submission).

Conditions:
Glycogen storage disease type III (GSD3). Also called: FORBES DISEASE; Cori disease. Identifiers: Orphanet 366, MedGen C0017922, MONDO:0009291, OMIM 232400.

Allele frequency attached by ClinVar (database versions not stated): gnomAD exomes below 0.00001; gnomAD 0.00001.
gnomAD v4.1: 2 of 1,613,980 alleles (0.00012%); highest among the groups gnomAD compares: East Asian, 0.0022%; no homozygotes.

Submission:

Labcorp Genetics (formerly Invitae), Labcorp
Classification: Uncertain significance for Glycogen storage disease type III. Last evaluated: 2022-03-20. Review status: criteria provided, single submitter. Criteria: Invitae Variant Classification Sherloc (09022015). Collection method: clinical testing. Allele origin: germline.
Comment: This sequence change replaces cysteine, which is neutral and slightly polar, with tyrosine, which is neutral and polar, at codon 1160 of the AGL protein (p.Cys1160Tyr). This variant is present in population databases (no rsID available, gnomAD 0.06%). This variant has not been reported in the literature in individuals affected with AGL-related conditions. Algorithms developed to predict the effect of missense changes on protein structure and function are either unavailable or do not agree on the potential impact of this missense change (SIFT: "Deleterious"; PolyPhen-2: "Probably Damaging"; Align-GVGD: "Class C0"). In summary, the available evidence is currently insufficient to determine the role of this variant in disease. Therefore, it has been classified as a Variant of Uncertain Significance.